The following is an entry in ClinVar:

NM_012123.4(MTO1):c.1129+209C>T

Gene: MTO1 (mitochondrial tRNA translation optimization 1; plus strand). Cytogenetic location: 6q13.
Variant type: single nucleotide variant.
Coding change: c.1129+209C>T on transcript NM_012123.4 (MANE Select); 209 bases into the intron after coding-DNA position 1129, C replaced by T.
Molecular consequence: intron variant. On other transcripts: missense variant (1).
Genome position (GRCh38, 1-based): chr6:73,480,335, C>T. VCF-style: chr6-73480335-C-T. GRCh37 (hg19) VCF-style: chr6-74190058-C-T.
Other names: c.1172C>T, p.Ala391Val (NM_133645.3); c.1129+209C>T (NM_001123226.2); short protein forms A391V.
Identifiers: ClinVar variation 2500059 (VCV002500059.1), dbSNP rs199913708, ClinGen allele CA3889537.

ClinVar aggregate classification (germline): Uncertain significance (1 of 4 stars; one submission).

Conditions:
Mitochondrial hypertrophic cardiomyopathy with lactic acidosis due to MTO1 deficiency. Also called: CARDIOMYOPATHY, INFANTILE HYPERTROPHIC MITOCHONDRIAL, AND LACTIC ACIDOSIS; Combined oxidative phosphorylation deficiency 10. Identifiers: Orphanet 314637, MedGen C4749921, MONDO:0013865, OMIM 614702.

Allele frequency attached by ClinVar (database versions not stated): TOPMed 0.00001; ExAC 0.00009.
gnomAD v4.1: 2 of 699,998 alleles (0.00029%); highest among the groups gnomAD compares: South Asian, 0.0015%; no homozygotes.

Submission:

Center for Genomics, Ann and Robert H. Lurie Children's Hospital of Chicago
Classification: Uncertain significance for Mitochondrial hypertrophic cardiomyopathy with lactic acidosis due to MTO1 deficiency. Last evaluated: 2021-03-30. Review status: criteria provided, single submitter. Criteria: ACMG Guidelines, 2015. Collection method: clinical testing. Allele origin: germline.
Comment: MTO1 NM_133645.2 exon 7 p.Ala391Val (c.1172C>T): This variant has not been reported in the literature but is present in 0.004% (1/22522) of South Asian alleles in the Genome Aggregation Database. Evolutionary conservation for this variant is limited or unavailable; computational predictive tools suggest that this variant may not impact the protein. In summary, data on this variant is insufficient for disease classification. Therefore, the clinical significance of this variant is uncertain.